The following is an entry in ClinVar:

NM_001139.3(ALOX12B):c.135T>C (p.Phe45=)

Gene: ALOX12B (arachidonate 12-lipoxygenase, 12R type; minus strand). Cytogenetic location: 17p13.1.
Variant type: single nucleotide variant.
Coding change: c.135T>C on transcript NM_001139.3 (MANE Select); coding-DNA position 135, T replaced by C.
Protein change: p.Phe45=; no amino-acid change (phenylalanine 45 retained).
Molecular consequence: synonymous variant.
Genome position (GRCh38, 1-based): chr17:8,087,308, A>G on the plus strand (T>C on the coding strand, the complement: ALOX12B is on the minus strand). VCF-style: chr17-8087308-A-G. GRCh37 (hg19) VCF-style: chr17-7990626-A-G.
Other names: c.135T>C, p.Phe45= (LRG_1264t1).
Identifiers: ClinVar variation 325927 (VCV000325927.50), dbSNP rs117483056, ClinGen allele CA8367805.

ClinVar aggregate classification (germline): Conflicting classifications of pathogenicity. Review status: criteria provided, conflicting classifications (1 of 4 stars). 5 submissions from 5 submitters: Uncertain significance (1); Benign (1); Likely benign (2). 1 of the submissions does not count toward it. Last evaluated 2026-01-21.

Conditions:
ALOX12B-related disorder. Also called: ALOX12B-related condition.
Autosomal recessive congenital ichthyosis 2 (ARCI2). Identifiers: Orphanet 281122, Orphanet 79394, MedGen C3888093, MONDO:0009439, OMIM 242100.

Allele frequency attached by ClinVar (database versions not stated): 1000 Genomes Project 30x 0.00141; ESP Exome Variant Server 0.00192; TOPMed 0.00198; gnomAD exomes 0.00213 and 0.00226; gnomAD 0.00215 and 0.00218; ExAC 0.00218; 1000 Genomes Project 0.00220.
gnomAD v4.1: 3,603 of 1,612,464 alleles (0.22%); highest among the groups gnomAD compares: Non-Finnish European, 0.26%; 7 homozygotes.

Submissions (5):

Labcorp Genetics (formerly Invitae), Labcorp
Classification: Benign. Last evaluated: 2026-01-21. Review status: criteria provided, single submitter. Criteria: Invitae Variant Classification Sherloc (09022015). Collection method: clinical testing. Allele origin: germline.

Blueprint Genetics
Classification: Likely benign. Last evaluated: 2024-11-26. Review status: criteria provided, single submitter. Criteria: ACMG Guidelines, 2015. Collection method: clinical testing. Allele origin: germline.

CeGaT Center for Human Genetics Tuebingen
Classification: Likely benign. Last evaluated: 2021-06-01. Review status: criteria provided, single submitter. Criteria: CeGaT Center For Human Genetics Tuebingen Variant Classification Criteria Version 2. Collection method: clinical testing. Allele origin: germline. Affected: yes. Observed: 1 variant allele.

Illumina Laboratory Services, Illumina
Classification: Uncertain significance for Autosomal recessive congenital ichthyosis 2. Last evaluated: 2018-01-13. Review status: criteria provided, single submitter. Criteria: ICSL Variant Classification Criteria 13 December 2019. Collection method: clinical testing. Allele origin: germline.

PreventionGenetics, part of Exact Sciences
Classification: Likely benign for ALOX12B-related condition. Last evaluated: 2020-03-24. Review status: no assertion criteria provided. Collection method: clinical testing. Allele origin: germline. Not counted in ClinVar's aggregate classification.
Comment: This variant is classified as likely benign based on ACMG/AMP sequence variant interpretation guidelines (Richards et al. 2015 PMID: 25741868, with internal and published modifications).